The following is an entry in ClinVar:

NM_001386093.1(ATP6AP1L):c.462G>A (p.Leu154=)

Gene: ATP6AP1L (ATPase H+ transporting accessory protein 1 like; plus strand). Cytogenetic location: 5q14.2.
Variant type: single nucleotide variant.
Coding change: c.462G>A on transcript NM_001386093.1; coding-DNA position 462, G replaced by A.
Protein change: p.Leu154=; no amino-acid change (leucine 154 retained).
Molecular consequence: synonymous variant. On other transcripts: non-coding transcript variant (18).
Genome position (GRCh38, 1-based): chr5:82,312,638, G>A. VCF-style: chr5-82312638-G-A. GRCh37 (hg19) VCF-style: chr5-81608457-G-A.
Identifiers: ClinVar variation 2655573 (VCV002655573.24), dbSNP rs112945656, ClinGen allele CA3331732.

ClinVar aggregate classification (germline): Likely benign (1 of 4 stars; one submission).

Allele frequency attached by ClinVar (database versions not stated): ExAC 0.00263; 1000 Genomes Project 30x 0.00047; 1000 Genomes Project 0.00060; gnomAD 0.00182; TOPMed 0.00182; ESP Exome Variant Server 0.00215; gnomAD exomes 0.00244.

Submission:

CeGaT Center for Human Genetics Tuebingen
Classification: Likely benign. Last evaluated: 2023-02-01. Review status: criteria provided, single submitter. Criteria: CeGaT Center For Human Genetics Tuebingen Variant Classification Criteria Version 2. Collection method: clinical testing. Allele origin: germline. Affected: yes. Observed: 2 variant alleles.
Comment: ATP6AP1L: BP4, BP7